The following is an entry in ClinVar:

ClinVar aggregate classification (germline): Uncertain significance (1 of 4 stars; one submission).

Conditions:
Hereditary cancer-predisposing syndrome. Also called: Hereditary Cancer Syndrome; Hereditary neoplastic syndrome; Neoplastic Syndromes, Hereditary; Tumor predisposition. Identifiers: Orphanet 140162, MedGen C0027672, MeSH D009386, MONDO:0015356.

Submission:

Ambry Genetics
Classification: Uncertain significance for Hereditary cancer-predisposing syndrome. Last evaluated: 2025-06-02. Review status: criteria provided, single submitter. Criteria: Ambry Variant Classification Scheme 2023. Collection method: clinical testing. Allele origin: germline.
Comment: The p.I1164M variant (also known as c.3492A>G), located in coding exon 15 of the APC gene, results from an A to G substitution at nucleotide position 3492. The isoleucine at codon 1164 is replaced by methionine, an amino acid with highly similar properties. This amino acid position is conserved. In addition, in silico predictors for this gene do not accurately predict pathogenicity. Based on the available evidence, the clinical significance of this variant remains unclear.

NM_000038.6(APC):c.3492A>G (p.Ile1164Met)

Gene: APC (APC regulator of Wnt signaling pathway; plus strand). Cytogenetic location: 5q22.2.
Variant type: single nucleotide variant.
Coding change: c.3492A>G on transcript NM_000038.6 (MANE Select); coding-DNA position 3492, A replaced by G.
Protein change: p.Ile1164Met; replaces isoleucine 1164 with methionine.
Molecular consequence: missense variant. On other transcripts: non-coding transcript variant (2).
Genome position (GRCh38, 1-based): chr5:112,839,086, A>G. VCF-style: chr5-112839086-A-G. GRCh37 (hg19) VCF-style: chr5-112174783-A-G.
Other names: c.3492A>G, p.Ile1164Met (NM_001127510.3, NM_001354895.2, NM_001407450.1); c.3438A>G, p.Ile1146Met (NM_001127511.3); c.3546A>G, p.Ile1182Met (NM_001354896.2, NM_001407447.1, NM_001407448.1 and 1 more transcripts); c.3522A>G, p.Ile1174Met (NM_001354897.2); c.3417A>G, p.Ile1139Met (NM_001354898.2); c.3408A>G, p.Ile1136Met (NM_001354899.2); c.3369A>G, p.Ile1123Met (NM_001354900.2); c.3315A>G, p.Ile1105Met (NM_001354901.2, NM_001407453.1); and 11 more; short protein forms I1038M, I1063M, I1105M, I1136M, I1157M, I1123M, I1154M, I1164M.
Identifiers: ClinVar variation 3927439 (VCV003927439.1).